The following is an entry in ClinVar:

NM_000093.5(COL5A1):c.5141_5143del (p.Ser1714del)

Genes: COL5A1 (collagen type V alpha 1 chain; plus strand), LOC101448202 (uncharacterized LOC101448202; minus strand). Cytogenetic location: 9q34.3.
Variant type: Deletion.
Coding change: c.5141_5143del on transcript NM_000093.5 (MANE Select); coding-DNA positions 5141 to 5143, 3 bases deleted (CCT; older notation c.5141_5143delCCT).
Protein change: p.Ser1714del; deletes serine 1714.
Molecular consequence: inframe deletion.
Genome position (GRCh38, 1-based): chr9:134,834,975-134,834,977, CCT deleted; deleting any 3 consecutive bases within chr9:134,834,973-134,834,977 gives the same sequence; the c. name uses the placement nearest the transcript's 3' end. VCF-style (leftmost placement, unchanged base first): chr9-134834972-TCTC-T. GRCh37 (hg19) VCF-style: chr9-137726818-TCTC-T.
Other names: c.5141_5143del, p.Ser1714del (NM_001278074.1); c.5141_5143delCCT (NM_000093.4); short protein forms S1714del.
Identifiers: ClinVar variation 409098 (VCV000409098.11), dbSNP rs1060502250, ClinGen allele CA16612688.

ClinVar aggregate classification (germline): Conflicting classifications of pathogenicity. Review status: criteria provided, conflicting classifications (1 of 4 stars). 2 submissions from 2 submitters: Likely pathogenic (1); Uncertain significance (1). Last evaluated 2020-11-10.

Conditions:
Ehlers-Danlos syndrome, classic type, 1 (EDSCL1). Also called: EDS I; EHLERS-DANLOS SYNDROME, GRAVIS TYPE; EHLERS-DANLOS SYNDROME, SEVERE CLASSIC TYPE; Ehlers-Danlos syndrome, type 1; Ehlers-Danlos Syndrome, Classic Type, COL5A1-Related. Identifiers: MedGen C0268335, MONDO:0019567, OMIM 130000.

Submissions (2):

Blueprint Genetics
Classification: Uncertain significance. Last evaluated: 2020-11-10. Review status: criteria provided, single submitter. Criteria: ACMG Guidelines, 2015. Collection method: clinical testing. Allele origin: germline.

Labcorp Genetics (formerly Invitae), Labcorp
Classification: Likely pathogenic for Ehlers-Danlos syndrome, classic type, 1. Last evaluated: 2016-11-07. Review status: criteria provided, single submitter. Criteria: Invitae Variant Classification Sherloc (09022015). Collection method: clinical testing. Allele origin: germline.
Comment: Experimental studies and prediction algorithms are not available for this variant, and the functional significance of the deleted amino acid is currently unknown. This variant is not present in population databases (ExAC no frequency) and has not been reported in the literature in individuals with a COL5A1-related disease. This sequence change deletes 3 nucleotides from exon 65 of the COL5A1 mRNA (c.5141_5143delCCT). This leads to the deletion of 1 amino acid residue in the COL5A1 protein (p.Ser1714del) but otherwise preserves the integrity of the reading frame. In summary, this variant is a novel in-frame deletion with uncertain impact on protein function. Because it has been observed as arising de novo in an affected individual, it has been classified as Likely Pathogenic.